The following is an entry in ClinVar:

NM_004304.5(ALK):c.3743+10_3743+11delinsGA

Gene: ALK (ALK receptor tyrosine kinase; minus strand). Cytogenetic location: 2p23.2.
Variant type: Indel.
Coding change: c.3743+10_3743+11delinsGA on transcript NM_004304.5 (MANE Select); bases 10 to 11 of the intron after coding-DNA position 3743, AG replaced by GA.
Molecular consequence: intron variant.
Genome position (GRCh38, 1-based): chr2:29,213,973-29,213,974, CT replaced by TC on the plus strand (AG replaced by GA on the coding strand, the reverse complement: ALK is on the minus strand). VCF-style: chr2-29213973-CT-TC. GRCh37 (hg19) VCF-style: chr2-29436839-CT-TC.
Other names: c.539+10_539+11delinsGA (NM_001353765.2).
Identifiers: ClinVar variation 2706552 (VCV002706552.3), dbSNP rs2465922352, ClinGen allele CA2697547959.
Genomic context (GRCh38, chr2:29,213,973, plus strand): 5'-CCTTGAGATCTGCGGGGAAGCACACAGATCAGCGACAGGATGACAGGAAGAGCACAGTCA[CT>TC]TTGACTCACCGGTGGATGAAGTGGTTTTCCTCCAAATACTGACAGCCACAGGCAATGTCC-3'

ClinVar aggregate classification (germline): Uncertain significance (1 of 4 stars; one submission).

Conditions:
Neuroblastoma, susceptibility to, 3. Also called: ALK-Related Neuroblastic Tumor Susceptibility. Identifiers: Orphanet 635, MedGen C2751681, MONDO:0013083, OMIM 613014.

Submission:

Labcorp Genetics (formerly Invitae), Labcorp
Classification: Uncertain significance for Neuroblastoma, susceptibility to, 3. Last evaluated: 2023-12-30. Review status: criteria provided, single submitter. Criteria: Invitae Variant Classification Sherloc (09022015). Collection method: clinical testing. Allele origin: germline.
Comment: This sequence change falls in intron 24 of the ALK gene. It does not directly change the encoded amino acid sequence of the ALK protein. Information on the frequency of this variant in the gnomAD database is not available, as this variant may be reported differently in the database. This variant has not been reported in the literature in individuals affected with ALK-related conditions. In summary, the available evidence is currently insufficient to determine the role of this variant in disease. Therefore, it has been classified as a Variant of Uncertain Significance.